The following is an entry in ClinVar:

NC_000016.9:g.(?_7383003)_(7703969_?)dup

Gene: RBFOX1 (RNA binding fox-1 homolog 1; plus strand). Cytogenetic location: 16p13.3.
Variant type: Duplication.
Identifiers: ClinVar variation 3243333 (VCV003243333.1).

ClinVar aggregate classification (germline): Uncertain significance (1 of 4 stars; one submission).

Conditions:
Idiopathic generalized epilepsy. Also called: Generalised epilepsy; EIG. Identifiers: MedGen C0270850, MONDO:0005579, OMIM 600669.

Submission:

Labcorp Genetics (formerly Invitae), Labcorp
Classification: Uncertain significance for Idiopathic generalized epilepsy. Last evaluated: 2023-09-15. Review status: criteria provided, single submitter. Criteria: Invitae Variant Classification Sherloc (09022015). Collection method: clinical testing. Allele origin: unknown.
Comment: In summary, the available evidence is currently insufficient to determine the role of this variant in disease. Therefore, it has been classified as a Variant of Uncertain Significance. This variant has not been reported in the literature in individuals affected with RBFOX1-related conditions. This variant results in a copy number gain of the genomic region encompassing exon(s) 1-9 of the RBFOX1 gene. This region includes the initiator codon of the gene. This copy number gain extends beyond the assayed region for this gene and therefore may encompass additional genes. As the precise location of this event is unknown, it may be in tandem or it may be located elsewhere in the genome.